The following is an entry in ClinVar:

ClinVar aggregate classification (germline): Uncertain significance. Review status: criteria provided, multiple submitters, no conflicts (2 of 4 stars). 3 submissions from 3 submitters: Uncertain significance (3). Last evaluated 2023-05-31.

Conditions:
Inborn genetic diseases. Identifiers: MedGen C0950123, MeSH D030342.
Neuromuscular disease caused by qualitative or quantitative defects of dysferlin. Also called: Dysferlinopathy; Qualitative or quantitative defects of dysferlin. Identifiers: Orphanet 207073, MedGen C2931687, MONDO:0016145.

Allele frequency attached by ClinVar (database versions not stated): gnomAD exomes 0.00001.
gnomAD v4.1: 11 of 1,612,654 alleles (0.00068%); highest among the groups gnomAD compares: Non-Finnish European, 0.00093%; no homozygotes.

Submissions (3):

Revvity Omics, Revvity
Classification: Uncertain significance. Last evaluated: 2023-05-31. Review status: criteria provided, single submitter. Criteria: ACMG Guidelines, 2015. Collection method: clinical testing. Allele origin: germline.

Labcorp Genetics (formerly Invitae), Labcorp
Classification: Uncertain significance for Neuromuscular disease caused by qualitative or quantitative defects of dysferlin. Last evaluated: 2022-09-13. Review status: criteria provided, single submitter. Criteria: Invitae Variant Classification Sherloc (09022015). Collection method: clinical testing. Allele origin: germline.
Comment: This sequence change replaces aspartic acid, which is acidic and polar, with asparagine, which is neutral and polar, at codon 1446 of the DYSF protein (p.Asp1446Asn). This variant is not present in population databases (gnomAD no frequency). This variant has not been reported in the literature in individuals affected with DYSF-related conditions. ClinVar contains an entry for this variant (Variation ID: 1521208). Algorithms developed to predict the effect of missense changes on protein structure and function (SIFT, PolyPhen-2, Align-GVGD) all suggest that this variant is likely to be tolerated. In summary, the available evidence is currently insufficient to determine the role of this variant in disease. Therefore, it has been classified as a Variant of Uncertain Significance.

Ambry Genetics
Classification: Uncertain significance for Inborn genetic diseases. Last evaluated: 2021-10-29. Review status: criteria provided, single submitter. Criteria: Ambry Variant Classification Scheme 2023. Collection method: clinical testing. Allele origin: germline.

NM_001130987.2(DYSF):c.4390G>A (p.Asp1464Asn)

Gene: DYSF (dysferlin; plus strand). Cytogenetic location: 2p13.2.
Variant type: single nucleotide variant.
Coding change: c.4390G>A on transcript NM_001130987.2 (MANE Select); coding-DNA position 4390, G replaced by A.
Protein change: p.Asp1464Asn; replaces aspartic acid 1464 with asparagine.
Molecular consequence: missense variant.
Genome position (GRCh38, 1-based): chr2:71,613,336, G>A. VCF-style: chr2-71613336-G-A. GRCh37 (hg19) VCF-style: chr2-71840466-G-A.
Other names: c.4339G>A, p.Asp1447Asn (NM_001130455.2, NM_001130983.2); c.4294G>A, p.Asp1432Asn (NM_001130976.2, NM_001130977.2); c.4336G>A, p.Asp1446Asn (NM_001130978.2, NM_003494.4); c.4429G>A, p.Asp1477Asn (NM_001130979.2); c.4387G>A, p.Asp1463Asn (NM_001130980.2, NM_001130981.2); c.4432G>A, p.Asp1478Asn (NM_001130982.2); c.4297G>A, p.Asp1433Asn (NM_001130984.2, NM_001130986.2); c.4390G>A, p.Asp1464Asn (NM_001130985.2); and 1 more; short protein forms D1432N, D1447N, D1463N, D1477N, D1433N, D1464N, D1478N, D1446N.
Identifiers: ClinVar variation 1521208 (VCV001521208.8), dbSNP rs927765259, ClinGen allele CA49780595.